The following is an entry in ClinVar:

ClinVar aggregate classification (germline): Uncertain significance (1 of 4 stars; one submission).

gnomAD v4.1: 3 of 1,526,458 alleles (0.0002%); highest among the groups gnomAD compares: South Asian, 0.0036%; no homozygotes.

Submission:

Labcorp Genetics (formerly Invitae), Labcorp
Classification: Uncertain significance. Last evaluated: 2022-11-22. Review status: criteria provided, single submitter. Criteria: Invitae Variant Classification Sherloc (09022015). Collection method: clinical testing. Allele origin: germline.
Comment: In summary, the available evidence is currently insufficient to determine the role of this variant in disease. Therefore, it has been classified as a Variant of Uncertain Significance. Algorithms developed to predict the effect of missense changes on protein structure and function are either unavailable or do not agree on the potential impact of this missense change (SIFT: "Deleterious"; PolyPhen-2: "Probably Damaging"; Align-GVGD: "Class C0"). ClinVar contains an entry for this variant (Variation ID: 1477048). This variant has not been reported in the literature in individuals affected with LAMC3-related conditions. This variant is not present in population databases (gnomAD no frequency). This sequence change replaces cysteine, which is neutral and slightly polar, with tryptophan, which is neutral and slightly polar, at codon 54 of the LAMC3 protein (p.Cys54Trp).

NM_006059.4(LAMC3):c.162C>G (p.Cys54Trp)

Gene: LAMC3 (laminin subunit gamma 3; plus strand). Cytogenetic location: 9q34.12.
Variant type: single nucleotide variant.
Coding change: c.162C>G on transcript NM_006059.4 (MANE Select); coding-DNA position 162, C replaced by G.
Protein change: p.Cys54Trp; replaces cysteine 54 with tryptophan.
Molecular consequence: missense variant.
Genome position (GRCh38, 1-based): chr9:131,009,376, C>G. VCF-style: chr9-131009376-C-G. GRCh37 (hg19) VCF-style: chr9-133884763-C-G.
Other names: short protein forms C54W.
Identifiers: ClinVar variation 1477048 (VCV001477048.8), dbSNP rs888508924, ClinGen allele CA375250509.